The following is an entry in ClinVar:

ClinVar aggregate classification (germline): Uncertain significance (1 of 4 stars; one submission).

Conditions:
Cardiomyopathy (CMYO). Also called: Cardiomyopathies. Identifiers: Orphanet 167848, MedGen C0878544, MONDO:0004994, HP:0001638. Inheritance: Various modes of inheritance.

Submission:

Color Diagnostics, LLC DBA Color Health
Classification: Uncertain significance for Cardiomyopathy. Last evaluated: 2024-03-07. Review status: criteria provided, single submitter. Criteria: ACMG Guidelines, 2015. Collection method: clinical testing. Allele origin: germline.
Comment: This missense variant replaces glutamine with histidine at codon 1062 of the DSG2 protein. Computational prediction suggests that this variant may not impact protein structure and function (internally defined REVEL score threshold <= 0.5, PMID: 27666373). To our knowledge, functional studies have not been reported for this variant. This variant has not been reported in individuals affected with cardiovascular disorders in the literature. This variant has not been identified in the general population by the Genome Aggregation Database (gnomAD). The available evidence is insufficient to determine the role of this variant in disease conclusively. Therefore, this variant is classified as a Variant of Uncertain Significance.

NM_001943.5(DSG2):c.3186G>T (p.Gln1062His)

Genes: DSG2 (desmoglein 2; plus strand), DSG2-AS1 (DSG2 antisense RNA 1; minus strand). Cytogenetic location: 18q12.1.
Variant type: single nucleotide variant.
Coding change: c.3186G>T on transcript NM_001943.5 (MANE Select); coding-DNA position 3186, G replaced by T.
Protein change: p.Gln1062His; replaces glutamine 1062 with histidine.
Molecular consequence: missense variant.
Genome position (GRCh38, 1-based): chr18:31,546,572, G>T. VCF-style: chr18-31546572-G-T. GRCh37 (hg19) VCF-style: chr18-29126535-G-T.
Other names: short protein forms Q1062H.
Identifiers: ClinVar variation 2775248 (VCV002775248.2), dbSNP rs2510922804, ClinGen allele CA402148843.